The following is an entry in ClinVar:

NM_000317.3(PTS):c.209T>A (p.Val70Asp)

Gene: PTS (6-pyruvoyltetrahydropterin synthase; plus strand). Cytogenetic location: 11q23.1.
Variant type: single nucleotide variant.
Coding change: c.209T>A on transcript NM_000317.3 (MANE Select); coding-DNA position 209, T replaced by A.
Protein change: p.Val70Asp; replaces valine 70 with aspartic acid.
Molecular consequence: missense variant.
Genome position (GRCh38, 1-based): chr11:112,230,648, T>A. VCF-style: chr11-112230648-T-A. GRCh37 (hg19) VCF-style: chr11-112101371-T-A.
Other names: short protein forms V70D.
Identifiers: ClinVar variation 659949 (VCV000659949.7), dbSNP rs1592880489, ClinGen allele CA382627658.
Genomic context (GRCh38, chr11:112,230,648, plus strand): 5'-GCCTATCACAGTAATATTCACCTTTGTTTATTCTTTAGATTGACCCTGCTACGGGAATGG[T>A]TATGAATCTGGCTGATCTCAAAAAATATATGGAGGTAATGGCATGTTGGGTGCTTATTAT-3'
Protein context (NP_000308.1, residues 60-80): HGEIDPATGM[Val70Asp]MNLADLKKYM

ClinVar aggregate classification (germline): Conflicting classifications of pathogenicity. Review status: criteria provided, conflicting classifications (1 of 4 stars). 3 submissions from 3 submitters: Likely pathogenic (1); Uncertain significance (2). Last evaluated 2024-08-13.

Conditions:
6-Pyruvoyl-tetrahydrobiopterin synthase deficiency. Also called: 6-Pyruvoyltetrahydropterin Synthase Deficiency; HYPERPHENYLALANINEMIA, TETRAHYDROBIOPTERIN-DEFICIENT, DUE TO PTS DEFICIENCY; Hyperphenylalanemia, BH4-deficient, A; Hyperphenylalaninemia due to 6-pyruvoyl-tetrahydropterin synthase deficiency; PTS DEFICIENCY; BH4-deficient hyperphenylalaninemia A. Identifiers: Orphanet 13, Orphanet 238583, MedGen C0878676, MONDO:0009863, OMIM 261640.

Submissions (3):

Women's Health and Genetics/Laboratory Corporation of America, LabCorp
Classification: Uncertain significance. Last evaluated: 2024-08-13. Review status: criteria provided, single submitter. Criteria: LabCorp Variant Classification Summary - May 2015. Collection method: clinical testing. Allele origin: germline.
Comment: Variant summary: PTS c.209T>A (p.Val70Asp) results in a non-conservative amino acid change in the encoded protein sequence. Five of five in-silico tools predict a damaging effect of the variant on protein function. The variant was absent in 251430 control chromosomes (gnomAD). The available data on variant occurrences in the general population are insufficient to allow any conclusion about variant significance. c.209T>A has been reported in the literature in at least one individual affected with 6-Pyruvoyl-Tetrahydropterin Synthase Deficiency (Liu_1998, Liu_2001, Wang_2006). These data do not allow any conclusion about variant significance. To our knowledge, no experimental evidence demonstrating an impact on protein function has been reported. The following publications have been ascertained in the context of this evaluation (PMID: 9450907, 11694255, 16601879). ClinVar contains an entry for this variant (Variation ID: 659949). Based on the evidence outlined above, the variant was classified as uncertain significance.

Labcorp Genetics (formerly Invitae), Labcorp
Classification: Uncertain significance for 6-Pyruvoyl-tetrahydrobiopterin synthase deficiency. Last evaluated: 2021-08-31. Review status: criteria provided, single submitter. Criteria: Invitae Variant Classification Sherloc (09022015). Collection method: clinical testing. Allele origin: germline.

Juno Genomics, Hangzhou Juno Genomics, Inc
Classification: Likely pathogenic for 6-Pyruvoyl-tetrahydrobiopterin synthase deficiency. Review status: criteria provided, single submitter. Criteria: ACMG Guidelines, 2015. Collection method: clinical testing. Allele origin: germline. Affected: yes.
Comment: Absent from controls (or at extremely low frequency if recessive) in Genome Aggregation Database, Exome Sequencing Project, 1000 Genomes Project, or Exome Aggregation Consortium.;Multiple lines of computational evidence support a deleterious effect on the gene or gene product (conservation, evolutionary, splicing impact, etc).;For recessive disorders, detected in trans with a pathogenic variant.;Patient's phenotype or family history is highly specific for a disease with a single genetic etiology.

Literature cited by the submitters: PubMed 16601879 (cited by Women's Health and Genetics/Laboratory Corporation of America, LabCorp); PubMed 9450907 (cited by Women's Health and Genetics/Laboratory Corporation of America, LabCorp); PubMed 11694255 (cited by Women's Health and Genetics/Laboratory Corporation of America, LabCorp).